The following is an entry in ClinVar:

ClinVar aggregate classification (germline): Uncertain significance (1 of 4 stars; one submission).

Conditions:
Hereditary breast ovarian cancer syndrome. Also called: Hereditary breast and ovarian cancer syndrome; Hereditary breast and ovarian cancer syndrome (HBOC); BRCA1- and BRCA2-Associated Hereditary Breast and Ovarian Cancer; Hereditary breast and ovarian cancer; Breast and ovarian cancer; Hereditary breast and/or ovarian cancer syndrome. Identifiers: Orphanet 145, MedGen C0677776, MeSH D061325, MONDO:0003582. Disease mechanism: loss of function.

Submission:

Labcorp Genetics (formerly Invitae), Labcorp
Classification: Uncertain significance for Hereditary breast ovarian cancer syndrome. Last evaluated: 2024-03-28. Review status: criteria provided, single submitter. Criteria: Invitae Variant Classification Sherloc (09022015). Collection method: clinical testing. Allele origin: germline.
Comment: This sequence change replaces methionine, which is neutral and non-polar, with arginine, which is basic and polar, at codon 3248 of the BRCA2 protein (p.Met3248Arg). This variant is not present in population databases (gnomAD no frequency). This variant has not been reported in the literature in individuals affected with BRCA2-related conditions. Advanced modeling of protein sequence and biophysical properties (such as structural, functional, and spatial information, amino acid conservation, physicochemical variation, residue mobility, and thermodynamic stability) performed at Invitae indicates that this missense variant is not expected to disrupt BRCA2 protein function with a negative predictive value of 95%. In summary, the available evidence is currently insufficient to determine the role of this variant in disease. Therefore, it has been classified as a Variant of Uncertain Significance.

NM_000059.4(BRCA2):c.9743T>G (p.Met3248Arg)

Gene: BRCA2 (BRCA2 DNA repair associated; plus strand). Cytogenetic location: 13q13.1.
Variant type: single nucleotide variant.
Coding change: c.9743T>G on transcript NM_000059.4 (MANE Select); coding-DNA position 9743, T replaced by G.
Protein change: p.Met3248Arg; replaces methionine 3248 with arginine.
Molecular consequence: missense variant. On other transcripts: non-coding transcript variant (1).
Genome position (GRCh38, 1-based): chr13:32,398,256, T>G. VCF-style: chr13-32398256-T-G. GRCh37 (hg19) VCF-style: chr13-32972393-T-G.
Other names: c.9647T>G, p.Met3216Arg (NM_001406719.1); c.9692T>G, p.Met3231Arg (NM_001406720.1); c.4811T>G, p.Met1604Arg (NM_001406721.1); c.3326T>G, p.Met1109Arg (NM_001406722.1); c.9743T>G, p.Met3248Arg (NM_001432077.1); short protein forms M1109R, M3231R, M1604R, M3216R, M3248R.
Identifiers: ClinVar variation 3636567 (VCV003636567.2).